The following is an entry in ClinVar:

NM_005045.4(RELN):c.3617G>A (p.Gly1206Glu)

Gene: RELN (reelin; minus strand). Cytogenetic location: 7q22.1.
Variant type: single nucleotide variant.
Coding change: c.3617G>A on transcript NM_005045.4 (MANE Select); coding-DNA position 3617, G replaced by A.
Protein change: p.Gly1206Glu; replaces glycine 1206 with glutamic acid.
Molecular consequence: missense variant.
Genome position (GRCh38, 1-based): chr7:103,594,415, C>T on the plus strand (G>A on the coding strand, the complement: RELN is on the minus strand). VCF-style: chr7-103594415-C-T. GRCh37 (hg19) VCF-style: chr7-103234862-C-T.
Other names: c.3617G>A, p.Gly1206Glu (NM_173054.3); short protein forms G1206E.
Identifiers: ClinVar variation 542560 (VCV000542560.8), dbSNP rs866737719, ClinGen allele CA163941884.
Genomic context (GRCh38, chr7:103,594,415, plus strand): 5'-TGCTTCTGCTTCTCGGACAGAATGATGATGTCATCGACTGCCCACTGGTCATAGTCCTCC[C>T]CTGAGAACACGGGCTGCCACCAGCGGAACCTGGTGCAAGGGGTCTTGGCAGCAGCTGGAA-3'
Protein context (NP_005036.2, residues 1196-1216): RFRWWQPVFS[Gly1206Glu]EDYDQWAVDD

ClinVar aggregate classification (germline): Uncertain significance (1 of 4 stars; one submission).

Conditions:
Familial temporal lobe epilepsy 7. Identifiers: Orphanet 101046, MedGen C4225327, MONDO:0014639, OMIM 616436.
Norman-Roberts syndrome (LIS2). Also called: Lissencephaly 2 (Norman-Roberts type). Identifiers: Orphanet 89844, MedGen C0796089, MONDO:0009760, OMIM 257320.

Allele frequency attached by ClinVar (database versions not stated): TOPMed below 0.00001; gnomAD 0.00001.
gnomAD v4.1: 1 of 1,613,940 alleles (0.000062%); highest among the groups gnomAD compares: African/African-American, 0.0013%; no homozygotes.

Submission:

Labcorp Genetics (formerly Invitae), Labcorp
Classification: Uncertain significance for Familial temporal lobe epilepsy 7; Norman-Roberts syndrome. Last evaluated: 2017-08-06. Review status: criteria provided, single submitter. Criteria: Invitae Variant Classification Sherloc (09022015). Collection method: clinical testing. Allele origin: germline.
Comment: In summary, the available evidence is currently insufficient to determine the role of this variant in disease. Therefore, it has been classified as a Variant of Uncertain Significance. Algorithms developed to predict the effect of missense changes on protein structure and function do not agree on the potential impact of this missense change (SIFT: "Deleterious"; PolyPhen-2: "Probably Damaging"; Align-GVGD: "Class C0"). This variant has not been reported in the literature in individuals with RELN-related disease. This variant is not present in population databases (ExAC no frequency). This sequence change replaces glycine with glutamic acid at codon 1206 of the RELN protein (p.Gly1206Glu). The glycine residue is highly conserved and there is a moderate physicochemical difference between glycine and glutamic acid.